The following is an entry in ClinVar:

NM_003859.3(DPM1):c.235G>C (p.Glu79Gln)

Gene: DPM1 (dolichyl-phosphate mannosyltransferase subunit 1, catalytic; minus strand). Cytogenetic location: 20q13.13.
Variant type: single nucleotide variant.
Coding change: c.235G>C on transcript NM_003859.3 (MANE Select); coding-DNA position 235, G replaced by C.
Protein change: p.Glu79Gln; replaces glutamic acid 79 with glutamine.
Molecular consequence: missense variant. On other transcripts: non-coding transcript variant (1).
Genome position (GRCh38, 1-based): chr20:50,955,212, C>G on the plus strand (G>C on the coding strand, the complement: DPM1 is on the minus strand). VCF-style: chr20-50955212-C-G. GRCh37 (hg19) VCF-style: chr20-49571749-C-G.
Other names: c.235G>C, p.Glu79Gln (NM_001317034.1, NM_001317035.1, NM_001317036.1); c.235G>C (NM_003859.2); short protein forms E79Q.
Identifiers: ClinVar variation 464499 (VCV000464499.11), dbSNP rs760351795, ClinGen allele CA408978633.

ClinVar aggregate classification (germline): Uncertain significance. Review status: criteria provided, multiple submitters, no conflicts (2 of 4 stars). 3 submissions from 3 submitters: Uncertain significance (3). Last evaluated 2024-05-01.

Conditions:
Inborn genetic diseases. Identifiers: MedGen C0950123, MeSH D030342.
Congenital disorder of glycosylation type 1E (CDG1E). Also called: CONGENITAL DISORDER OF GLYCOSYLATION, TYPE Ie; CDG Ie. Identifiers: Orphanet 79322, MedGen C1837396, MONDO:0012123, OMIM 608799.

Allele frequency attached by ClinVar (database versions not stated): gnomAD 0.00001; TOPMed 0.00002.
gnomAD v4.1: 6 of 1,612,920 alleles (0.00037%); highest among the groups gnomAD compares: Admixed American, 0.005%; no homozygotes.

Submissions (3):

Greenwood Genetic Center Diagnostic Laboratories, Greenwood Genetic Center
Classification: Uncertain significance. Last evaluated: 2024-05-01. Review status: criteria provided, single submitter. Criteria: ACMG Guidelines, 2015. Collection method: clinical testing. Allele origin: germline. Affected: yes.
Comment: PM2

Labcorp Genetics (formerly Invitae), Labcorp
Classification: Uncertain significance for Congenital disorder of glycosylation type 1E. Last evaluated: 2022-07-19. Review status: criteria provided, single submitter. Criteria: Invitae Variant Classification Sherloc (09022015). Collection method: clinical testing. Allele origin: germline.
Comment: In summary, the available evidence is currently insufficient to determine the role of this variant in disease. Therefore, it has been classified as a Variant of Uncertain Significance. Algorithms developed to predict the effect of missense changes on protein structure and function (SIFT, PolyPhen-2, Align-GVGD) all suggest that this variant is likely to be tolerated. ClinVar contains an entry for this variant (Variation ID: 464499). This variant has not been reported in the literature in individuals affected with DPM1-related conditions. This variant is present in population databases (no rsID available, gnomAD 0.006%). This sequence change replaces glutamic acid, which is acidic and polar, with glutamine, which is neutral and polar, at codon 79 of the DPM1 protein (p.Glu79Gln).

Ambry Genetics
Classification: Uncertain significance for Inborn genetic diseases. Last evaluated: 2021-08-02. Review status: criteria provided, single submitter. Criteria: Ambry Variant Classification Scheme 2023. Collection method: clinical testing. Allele origin: germline.